The following is an entry in ClinVar:

NM_000179.3(MSH6):c.1825C>T (p.Leu609=)

Gene: MSH6 (mutS homolog 6; plus strand). Cytogenetic location: 2p16.3.
Variant type: single nucleotide variant.
Coding change: c.1825C>T on transcript NM_000179.3 (MANE Select); coding-DNA position 1825, C replaced by T.
Protein change: p.Leu609=; no amino-acid change (leucine 609 retained).
Molecular consequence: synonymous variant.
Genome position (GRCh38, 1-based): chr2:47,799,808, C>T. VCF-style: chr2-47799808-C-T. GRCh37 (hg19) VCF-style: chr2-48026947-C-T.
Other names: c.1435C>T, p.Leu479= (NM_001281492.2); c.919C>T, p.Leu307= (NM_001281493.2, NM_001281494.2).
Identifiers: ClinVar variation 765644 (VCV000765644.16), dbSNP rs1426910114, ClinGen allele CA426121190.

ClinVar aggregate classification (germline): Benign/Likely benign. Review status: criteria provided, multiple submitters, no conflicts (2 of 4 stars). 3 submissions from 3 submitters: Benign (1); Likely benign (2). Last evaluated 2025-10-11.

Conditions:
Hereditary nonpolyposis colorectal neoplasms. Identifiers: MedGen C0009405, MeSH D003123.
Hereditary cancer-predisposing syndrome. Also called: Tumor predisposition; Neoplastic Syndromes, Hereditary; Hereditary Cancer Syndrome; Hereditary neoplastic syndrome. Identifiers: Orphanet 140162, MedGen C0027672, MeSH D009386, MONDO:0015356.
Lynch syndrome 5 (LYNCH5). Also called: Colorectal cancer, hereditary nonpolyposis, type 5; Hereditary non-polyposis colorectal cancer, type 5. Identifiers: Orphanet 144, MedGen C1833477, MONDO:0013710, OMIM 614350. Disease mechanism: loss of function.

Allele frequency attached by ClinVar (database versions not stated): TOPMed below 0.00001; gnomAD 0.00001.

Submissions (3):

Labcorp Genetics (formerly Invitae), Labcorp
Classification: Likely benign for Hereditary nonpolyposis colorectal neoplasms. Last evaluated: 2025-10-11. Review status: criteria provided, single submitter. Criteria: Invitae Variant Classification Sherloc (09022015). Collection method: clinical testing. Allele origin: germline.

Myriad Genetics, Inc.
Classification: Benign for Lynch syndrome 5. Last evaluated: 2024-12-27. Review status: criteria provided, single submitter. Criteria: Myriad Autosomal Dominant, Autosomal Recessive and X-Linked Classification Criteria (2023). Collection method: clinical testing. Allele origin: unknown.
Comment: This variant is considered benign. This variant is a silent/synonymous amino acid change and it is not expected to impact splicing.

Ambry Genetics
Classification: Likely benign for Hereditary cancer-predisposing syndrome. Last evaluated: 2018-01-18. Review status: criteria provided, single submitter. Criteria: Ambry Variant Classification Scheme 2023. Collection method: clinical testing. Allele origin: germline.